The following is an entry in ClinVar:

ClinVar aggregate classification (germline): Uncertain significance. Review status: criteria provided, multiple submitters, no conflicts (2 of 4 stars). 2 submissions from 2 submitters: Uncertain significance (2). Last evaluated 2022-12-06.

Conditions:
Cleft lip/palate-ectodermal dysplasia syndrome (CLPED1). Also called: ECTODERMAL DYSPLASIA, CLEFT LIP AND PALATE, MENTAL RETARDATION, AND SYNDACTYLY; ECTODERMAL DYSPLASIA, MARGARITA ISLAND TYPE; ECTODERMAL DYSPLASIA, TYPE 4; Zlotogora syndrome; ZLOTOGORA-OGUR SYNDROME. Identifiers: Orphanet 3253, MedGen C2931488, MONDO:0009151, OMIM 225060.

Allele frequency attached by ClinVar (database versions not stated): gnomAD 0.00001; TOPMed 0.00003; ExAC 0.00006; gnomAD exomes 0.00006 and 0.00007; ESP Exome Variant Server 0.00015.
gnomAD v4.1: 90 of 1,614,000 alleles (0.0056%); highest among the groups gnomAD compares: Middle Eastern, 0.033%; no homozygotes.

Submissions (2):

Labcorp Genetics (formerly Invitae), Labcorp
Classification: Uncertain significance. Last evaluated: 2022-12-06. Review status: criteria provided, single submitter. Criteria: Invitae Variant Classification Sherloc (09022015). Collection method: clinical testing. Allele origin: germline.
Comment: This variant has not been reported in the literature in individuals affected with NECTIN1-related conditions. In summary, the available evidence is currently insufficient to determine the role of this variant in disease. Therefore, it has been classified as a Variant of Uncertain Significance. Algorithms developed to predict the effect of missense changes on protein structure and function are either unavailable or do not agree on the potential impact of this missense change (SIFT: "Deleterious"; PolyPhen-2: "Benign"; Align-GVGD: "Class C0"). ClinVar contains an entry for this variant (Variation ID: 878433). This variant is present in population databases (rs147334676, gnomAD 0.01%). This sequence change replaces glycine, which is neutral and non-polar, with serine, which is neutral and polar, at codon 480 of the NECTIN1 protein (p.Gly480Ser).

Illumina Laboratory Services, Illumina
Classification: Uncertain significance for Cleft lip/palate-ectodermal dysplasia syndrome. Last evaluated: 2018-01-13. Review status: criteria provided, single submitter. Criteria: ICSL Variant Classification Criteria 13 December 2019. Collection method: clinical testing. Allele origin: germline.

NM_002855.5(NECTIN1):c.1438G>A (p.Gly480Ser)

Gene: NECTIN1 (nectin cell adhesion molecule 1; minus strand). Cytogenetic location: 11q23.3.
Variant type: single nucleotide variant.
Coding change: c.1438G>A on transcript NM_002855.5 (MANE Select); coding-DNA position 1438, G replaced by A.
Protein change: p.Gly480Ser; replaces glycine 480 with serine.
Molecular consequence: missense variant. On other transcripts: intron variant (1).
Genome position (GRCh38, 1-based): chr11:119,664,863, C>T on the plus strand (G>A on the coding strand, the complement: NECTIN1 is on the minus strand). VCF-style: chr11-119664863-C-T. GRCh37 (hg19) VCF-style: chr11-119535573-C-T.
Other names: c.1003+10296G>A (NM_203285.2); short protein forms G480S.
Identifiers: ClinVar variation 878433 (VCV000878433.11), dbSNP rs147334676, ClinGen allele CA6321784.
Genomic context (GRCh38, chr11:119,664,863, plus strand): 5'-TCTCAGCCAAGTCCAGCTGCTCAGGGTCGTACTGGTAGCCCAGAGTCCGGTCCCCGTAGC[C>T]GTCCTGACGGGCCTCGGCCTCATCCACGGTGAAGTAGGGCCGCTTGGCGTCCTCGTCATA-3'
Protein context (NP_002846.3, residues 470-490): TVDEAEARQD[Gly480Ser]YGDRTLGYQY